The following is an entry in ClinVar:

NM_017534.6(MYH2):c.3103CAA[1] (p.Gln1036del)

Genes: MYH2 (myosin heavy chain 2; minus strand), MYHAS (myosin heavy chain gene cluster antisense RNA; plus strand). Cytogenetic location: 17p13.1.
Variant type: Microsatellite.
Coding change: c.3103CAA[1] on transcript NM_017534.6 (MANE Select); one copy of the 3-base unit CAA starting at c.3103; the reference has two copies in a row; one copy, 3 bases deleted.
Protein change: p.Gln1036del; deletes glutamine 1036.
Molecular consequence: inframe deletion.
Genome position (GRCh38, 1-based): chr17:10,529,573-10,529,575, TTG deleted on the plus strand (CAA on the coding strand, the reverse complement: MYH2 is on the minus strand); deleting any 3 consecutive bases within chr17:10,529,573-10,529,580 gives the same sequence; the position shown is the placement nearest the transcript's 3' end. VCF-style (leftmost placement, unchanged base first): chr17-10529572-CTTG-C. GRCh37 (hg19) VCF-style: chr17-10432889-CTTG-C.
Other names: c.3103CAA[1], p.Gln1036del (NM_001100112.2); short protein forms Q1036del.
Identifiers: ClinVar variation 2811142 (VCV002811142.3), dbSNP rs1281711939, ClinGen allele CA625066210.

ClinVar aggregate classification (germline): Uncertain significance (1 of 4 stars; one submission).

Conditions:
Myopathy, proximal, and ophthalmoplegia (CMYO6). Also called: INCLUSION BODY MYOPATHY 3, AUTOSOMAL DOMINANT; CONGENITAL MYOPATHY 6 WITH OPHTHALMOPLEGIA; MYOPATHY WITH CONGENITAL JOINT CONTRACTURES, OPHTHALMOPLEGIA, AND RIMMED VACUOLES. Identifiers: Orphanet 363677, Orphanet 79091, MedGen C1854106, MONDO:0011577, OMIM 605637.

Submission:

Labcorp Genetics (formerly Invitae), Labcorp
Classification: Uncertain significance for Myopathy, proximal, and ophthalmoplegia. Last evaluated: 2023-09-11. Review status: criteria provided, single submitter. Criteria: Invitae Variant Classification Sherloc (09022015). Collection method: clinical testing. Allele origin: germline.
Comment: In summary, the available evidence is currently insufficient to determine the role of this variant in disease. Therefore, it has been classified as a Variant of Uncertain Significance. Experimental studies and prediction algorithms are not available or were not evaluated, and the functional significance of this variant is currently unknown. This variant has not been reported in the literature in individuals affected with MYH2-related conditions. This variant is present in population databases (no rsID available, gnomAD 0.003%). This variant, c.3106_3108del, results in the deletion of 1 amino acid(s) of the MYH2 protein (p.Gln1036del), but otherwise preserves the integrity of the reading frame.